The following is an entry in ClinVar:

NM_000051.4(ATM):c.8353G>A (p.Asp2785Asn)

Genes: ATM (ATM serine/threonine kinase; plus strand), C11orf65 (chromosome 11 open reading frame 65; minus strand). Cytogenetic location: 11q22.3.
Variant type: single nucleotide variant.
Coding change: c.8353G>A on transcript NM_000051.4 (MANE Select); coding-DNA position 8353, G replaced by A.
Protein change: p.Asp2785Asn; replaces aspartic acid 2785 with asparagine.
Molecular consequence: missense variant. On other transcripts: intron variant (2).
Genome position (GRCh38, 1-based): chr11:108,343,306, G>A. VCF-style: chr11-108343306-G-A. GRCh37 (hg19) VCF-style: chr11-108214033-G-A.
Other names: c.8353G>A, p.Asp2785Asn (NM_001351834.2); c.641-34235C>T (NM_001330368.2); c.695-8014C>T (NM_001351110.2); short protein forms D2785N.
Identifiers: ClinVar variation 142378 (VCV000142378.26), dbSNP rs587782417, ClinGen allele CA168194.

ClinVar aggregate classification (germline): Conflicting classifications of pathogenicity. Review status: criteria provided, conflicting classifications (1 of 4 stars). 9 submissions from 9 submitters: Uncertain significance (7); Likely benign (1). 1 of the submissions does not count toward it. Last evaluated 2025-12-29.

Conditions:
Hereditary cancer-predisposing syndrome. Also called: Neoplastic Syndromes, Hereditary; Hereditary Cancer Syndrome; Tumor predisposition; Hereditary neoplastic syndrome. Identifiers: Orphanet 140162, MedGen C0027672, MeSH D009386, MONDO:0015356.
Familial cancer of breast. Also called: BREAST CANCER, FAMILIAL; hereditary breast carcinoma; Hereditary breast cancer. Identifiers: Orphanet 227535, MedGen C0346153, MONDO:0016419, OMIM 114480. Disease mechanism: loss of function.
Ataxia-telangiectasia syndrome (AT). Also called: Ataxia-telangiectasia, complementation group D; AT, COMPLEMENTATION GROUP C; Ataxia-telangiectasia; ATAXIA-TELANGIECTASIA, COMPLEMENTATION GROUP A; ATAXIA-TELANGIECTASIA, FRESNO VARIANT; Ataxia-telangiectasia, complementation group E. Identifiers: Orphanet 100, MedGen C0004135, MONDO:0008840, OMIM 208900.

Allele frequency attached by ClinVar (database versions not stated): gnomAD exomes below 0.00001; ExAC 0.00001.
gnomAD v4.1: 4 of 1,614,050 alleles (0.00025%); highest among the groups gnomAD compares: East Asian, 0.0022%; no homozygotes.

Submissions (9):

Center for Genomic Medicine, Rigshospitalet, Copenhagen University Hospital
Classification: Uncertain significance. Last evaluated: 2025-12-29. Review status: criteria provided, single submitter. Criteria: ACMG Guidelines, 2015. Collection method: clinical testing. Allele origin: germline.
Comment: Classification criteria: BP4_support

Labcorp Genetics (formerly Invitae), Labcorp
Classification: Uncertain significance for Ataxia-telangiectasia syndrome. Last evaluated: 2024-12-12. Review status: criteria provided, single submitter. Criteria: Invitae Variant Classification Sherloc (09022015). Collection method: clinical testing. Allele origin: germline.
Comment: This sequence change replaces aspartic acid, which is acidic and polar, with asparagine, which is neutral and polar, at codon 2785 of the ATM protein (p.Asp2785Asn). This variant is present in population databases (rs587782417, gnomAD 0.0009%). This variant has not been reported in the literature in individuals affected with ATM-related conditions. ClinVar contains an entry for this variant (Variation ID: 142378). Invitae Evidence Modeling of protein sequence and biophysical properties (such as structural, functional, and spatial information, amino acid conservation, physicochemical variation, residue mobility, and thermodynamic stability) indicates that this missense variant is not expected to disrupt ATM protein function with a negative predictive value of 95%. RNA analysis performed to evaluate the impact of this missense change on mRNA splicing indicates it does not significantly alter splicing (internal data). In summary, the available evidence is currently insufficient to determine the role of this variant in disease. Therefore, it has been classified as a Variant of Uncertain Significance.

Baylor Genetics
Classification: Uncertain significance for Familial cancer of breast. Last evaluated: 2024-02-01. Review status: criteria provided, single submitter. Criteria: ACMG Guidelines, 2015. Collection method: clinical testing. Allele origin: unknown.

Department of Pathology and Laboratory Medicine, Sinai Health System
Classification: Uncertain significance for Familial cancer of breast. Last evaluated: 2023-05-08. Review status: criteria provided, single submitter. Criteria: ACMG Guidelines, 2015. Collection method: clinical testing. Allele origin: germline. Affected: yes.

Women's Health and Genetics/Laboratory Corporation of America, LabCorp
Classification: Uncertain significance. Last evaluated: 2022-11-10. Review status: criteria provided, single submitter. Criteria: LabCorp Variant Classification Summary - May 2015. Collection method: clinical testing. Allele origin: germline.
Comment: Variant summary: ATM c.8353G>A (p.Asp2785Asn) results in a conservative amino acid change located in the Phosphatidylinositol 3-/4-kinase, catalytic domain (IPR000403) of the encoded protein sequence. Five of five in-silico tools predict a benign effect of the variant on protein function. The variant allele was found at a frequency of 4e-06 in 251290 control chromosomes (gnomAD). The available data on variant occurrences in the general population are insufficient to allow any conclusion about variant significance. To our knowledge, no occurrence of c.8353G>A in individuals affected with Prostate Cancer and no experimental evidence demonstrating its impact on protein function have been reported. Five clinical diagnostic laboratories have submitted clinical-significance assessments for this variant to ClinVar after 2014 without evidence for independent evaluation. Based on the evidence outlined above, the variant was classified as uncertain significance.

GeneDx
Classification: Uncertain significance. Last evaluated: 2022-03-15. Review status: criteria provided, single submitter. Criteria: GeneDx Variant Classification Process June 2021. Collection method: clinical testing. Allele origin: germline. Affected: yes.
Comment: Not observed at significant frequency in large population cohorts (gnomAD); In silico analysis supports that this missense variant does not alter protein structure/function; Has not been previously published as a germline pathogenic or benign variant to our knowledge; This variant is associated with the following publications: (PMID: 28062691, 19781682, 23532176)

Color Diagnostics, LLC DBA Color Health
Classification: Uncertain significance for Hereditary cancer-predisposing syndrome. Last evaluated: 2021-12-13. Review status: criteria provided, single submitter. Criteria: ACMG Guidelines, 2015. Collection method: clinical testing. Allele origin: germline.
Comment: This missense variant replaces aspartic acid with asparagine at codon 2785 of the ATM protein. Computational prediction suggests that this variant may not impact protein structure and function (internally defined REVEL score threshold <= 0.5, PMID: 27666373). To our knowledge, functional studies have not been reported for this variant. In a large international case-control study, this variant was reported in 0/60466 breast cancer cases and 1/53460 controls (OR=0.442, 95%CI 0.015 to 13.178, p-value=0.469; PMID: 33471991). This variant has been identified in 1/251290 chromosomes in the general population by the Genome Aggregation Database (gnomAD). The available evidence is insufficient to determine the role of this variant in disease conclusively. Therefore, this variant is classified as a Variant of Uncertain Significance.

Ambry Genetics
Classification: Likely benign for Hereditary cancer-predisposing syndrome. Last evaluated: 2019-01-08. Review status: criteria provided, single submitter. Criteria: Ambry Variant Classification Scheme 2023. Collection method: clinical testing. Allele origin: germline.

Counsyl
Classification: Uncertain significance for Ataxia-telangiectasia syndrome. Last evaluated: 2017-06-23. Review status: no assertion criteria provided. Collection method: clinical testing. Allele origin: unknown. Not counted in ClinVar's aggregate classification.

Literature cited by the submitters: PubMed 33471991 (cited by Department of Pathology and Laboratory Medicine, Sinai Health System); PubMed 28652578 (cited by Department of Pathology and Laboratory Medicine, Sinai Health System and Women's Health and Genetics/Laboratory Corporation of America, LabCorp); PubMed 19781682 (cited by Department of Pathology and Laboratory Medicine, Sinai Health System and Counsyl).